The following is an entry in ClinVar:

ClinVar aggregate classification (germline): Uncertain significance (1 of 4 stars; one submission).

Allele frequency attached by ClinVar (database versions not stated): gnomAD exomes 0.00001; gnomAD 0.00002.
gnomAD v4.1: 11 of 1,613,690 alleles (0.00068%); highest among the groups gnomAD compares: Non-Finnish European, 0.00093%; no homozygotes.

Submission:

Labcorp Genetics (formerly Invitae), Labcorp
Classification: Uncertain significance. Last evaluated: 2023-10-03. Review status: criteria provided, single submitter. Criteria: Invitae Variant Classification Sherloc (09022015). Collection method: clinical testing. Allele origin: germline.
Comment: This sequence change replaces threonine, which is neutral and polar, with alanine, which is neutral and non-polar, at codon 534 of the SON protein (p.Thr534Ala). This variant is present in population databases (no rsID available, gnomAD 0.03%). This variant has not been reported in the literature in individuals affected with SON-related conditions. ClinVar contains an entry for this variant (Variation ID: 1960751). Algorithms developed to predict the effect of missense changes on protein structure and function output the following: SIFT: "Not Available"; PolyPhen-2: "Benign"; Align-GVGD: "Not Available". The alanine amino acid residue is found in multiple mammalian species, which suggests that this missense change does not adversely affect protein function. In summary, the available evidence is currently insufficient to determine the role of this variant in disease. Therefore, it has been classified as a Variant of Uncertain Significance.

NM_138927.4(SON):c.1600A>G (p.Thr534Ala)

Gene: SON (SON DNA and RNA binding protein; plus strand). Cytogenetic location: 21q22.11.
Variant type: single nucleotide variant.
Coding change: c.1600A>G on transcript NM_138927.4 (MANE Select); coding-DNA position 1600, A replaced by G.
Protein change: p.Thr534Ala; replaces threonine 534 with alanine.
Molecular consequence: missense variant. On other transcripts: non-coding transcript variant (1), intron variant (1).
Genome position (GRCh38, 1-based): chr21:33,550,831, A>G. VCF-style: chr21-33550831-A-G. GRCh37 (hg19) VCF-style: chr21-34923137-A-G.
Other names: c.1600A>G, p.Thr534Ala (NM_001291411.2, NM_001412133.1, NM_032195.3 and 2 more transcripts); c.244+4452A>G (NM_001291412.3); short protein forms T534A.
Identifiers: ClinVar variation 1960751 (VCV001960751.5), dbSNP rs1011223491, ClinGen allele CA320150064.